The following is an entry in ClinVar:

ClinVar aggregate classification (germline): Uncertain significance. Review status: criteria provided, multiple submitters, no conflicts (2 of 4 stars). 2 submissions from 2 submitters: Uncertain significance (2). Last evaluated 2025-03-04.

Conditions:
Inborn genetic diseases. Identifiers: MedGen C0950123, MeSH D030342.
Brachyolmia-amelogenesis imperfecta syndrome. Also called: Tooth agenesis, selective, 6; Dental anomalies and short stature; PLATYSPONDYLY WITH AMELOGENESIS IMPERFECTA. Identifiers: Orphanet 2899, MedGen C1832594, MONDO:0011018, OMIM 601216. Disease mechanism: loss of function.

Allele frequency attached by ClinVar (database versions not stated): gnomAD exomes 0.00001; TOPMed below 0.00001.
gnomAD v4.1: 9 of 1,525,044 alleles (0.00059%); highest among the groups gnomAD compares: East Asian, 0.018%; no homozygotes.

Submissions (2):

Labcorp Genetics (formerly Invitae), Labcorp
Classification: Uncertain significance for Brachyolmia-amelogenesis imperfecta syndrome. Last evaluated: 2025-03-04. Review status: criteria provided, single submitter. Criteria: Invitae Variant Classification Sherloc (09022015). Collection method: clinical testing. Allele origin: germline.
Comment: This sequence change replaces glutamine, which is neutral and polar, with histidine, which is basic and polar, at codon 1141 of the LTBP3 protein (p.Gln1141His). This variant is present in population databases (no rsID available, gnomAD 0.05%). This variant has not been reported in the literature in individuals affected with LTBP3-related conditions. ClinVar contains an entry for this variant (Variation ID: 3233175). An algorithm developed to predict the effect of missense changes on protein structure and function (PolyPhen-2) suggests that this variant is likely to be tolerated. In summary, the available evidence is currently insufficient to determine the role of this variant in disease. Therefore, it has been classified as a Variant of Uncertain Significance.

Ambry Genetics
Classification: Uncertain significance for Inborn genetic diseases. Last evaluated: 2023-11-26. Review status: criteria provided, single submitter. Criteria: Ambry Variant Classification Scheme 2023. Collection method: clinical testing. Allele origin: germline.
Comment: The p.Q1141H variant (also known as c.3423G>T), located in coding exon 25 of the LTBP3 gene, results from a G to T substitution at nucleotide position 3423. The glutamine at codon 1141 is replaced by histidine, an amino acid with highly similar properties. This amino acid position is conserved. In addition, this alteration is predicted to be tolerated by in silico analysis. Since supporting evidence is limited at this time, the clinical significance of this alteration remains unclear.

NM_001130144.3(LTBP3):c.3423G>T (p.Gln1141His)

Gene: LTBP3 (latent transforming growth factor beta binding protein 3; minus strand). Cytogenetic location: 11q13.1.
Variant type: single nucleotide variant.
Coding change: c.3423G>T on transcript NM_001130144.3 (MANE Select); coding-DNA position 3423, G replaced by T.
Protein change: p.Gln1141His; replaces glutamine 1141 with histidine.
Molecular consequence: missense variant.
Genome position (GRCh38, 1-based): chr11:65,539,844, C>A on the plus strand (G>T on the coding strand, the complement: LTBP3 is on the minus strand). VCF-style: chr11-65539844-C-A. GRCh37 (hg19) VCF-style: chr11-65307315-C-A.
Other names: c.2931G>T, p.Gln977His (NM_001164266.1); c.3282G>T, p.Gln1094His (NM_021070.4); short protein forms Q1094H, Q1141H, Q977H.
Identifiers: ClinVar variation 3233175 (VCV003233175.3), dbSNP rs983770970, ClinGen allele CA224008801.